The following is an entry in ClinVar:

ClinVar aggregate classification (germline): Likely benign. Review status: criteria provided, multiple submitters, no conflicts (2 of 4 stars). 3 submissions from 3 submitters: Likely benign (2). 1 of the submissions does not count toward it. Last evaluated 2022-10-25.

Conditions:
COL6A3-related disorder. Also called: COL6A3-related disorders; COL6A3-related condition.
Bethlem myopathy 1A. Also called: MYOPATHY, BENIGN CONGENITAL, WITH CONTRACTURES; Bethlem Muscular Dystrophy; Bethlem myopathy 1. Identifiers: Orphanet 610, MedGen CN029274, MONDO:0024530, OMIM 158810.

Allele frequency attached by ClinVar (database versions not stated): ESP Exome Variant Server 0.00008; TOPMed 0.00017.
gnomAD v4.1: 12 of 1,613,362 alleles (0.00074%); highest among the groups gnomAD compares: African/African-American, 0.008%; no homozygotes.

Submissions (3):

Labcorp Genetics (formerly Invitae), Labcorp
Classification: Likely benign for Bethlem myopathy 1A. Last evaluated: 2022-10-25. Review status: criteria provided, single submitter. Criteria: Invitae Variant Classification Sherloc (09022015). Collection method: clinical testing. Allele origin: germline.

GeneDx
Classification: Likely benign. Last evaluated: 2016-06-26. Review status: criteria provided, single submitter. Criteria: GeneDx Variant Classification (06012015). Collection method: clinical testing. Allele origin: germline. Affected: yes.
Comment: This variant is considered likely benign or benign based on one or more of the following criteria: it is a conservative change, it occurs at a poorly conserved position in the protein, it is predicted to be benign by multiple in silico algorithms, and/or has population frequency not consistent with disease.

PreventionGenetics, part of Exact Sciences
Classification: Likely benign for COL6A3-related condition. Last evaluated: 2020-05-20. Review status: no assertion criteria provided. Collection method: clinical testing. Allele origin: germline. Not counted in ClinVar's aggregate classification.
Comment: This variant is classified as likely benign based on ACMG/AMP sequence variant interpretation guidelines (Richards et al. 2015 PMID: 25741868, with internal and published modifications).

NM_004369.4(COL6A3):c.8892G>A (p.Ala2964=)

Gene: COL6A3 (collagen type VI alpha 3 chain; minus strand). Cytogenetic location: 2q37.3.
Variant type: single nucleotide variant.
Coding change: c.8892G>A on transcript NM_004369.4 (MANE Select); coding-DNA position 8892, G replaced by A.
Protein change: p.Ala2964=; no amino-acid change (alanine 2964 retained).
Molecular consequence: synonymous variant.
Genome position (GRCh38, 1-based): chr2:237,336,208, C>T on the plus strand (G>A on the coding strand, the complement: COL6A3 is on the minus strand). VCF-style: chr2-237336208-C-T. GRCh37 (hg19) VCF-style: chr2-238244851-C-T.
Other names: c.7071G>A, p.Ala2357= (NM_057166.5); c.8274G>A, p.Ala2758= (NM_057167.4).
Identifiers: ClinVar variation 386877 (VCV000386877.12), dbSNP rs147324162, ClinGen allele CA2187419.